The following is an entry in ClinVar:

NM_000238.4(KCNH2):c.2729_2744del (p.Pro910fs)

Gene: KCNH2 (potassium voltage-gated channel subfamily H member 2; minus strand). Cytogenetic location: 7q36.1.
Variant type: Deletion.
Coding change: c.2729_2744del on transcript NM_000238.4 (MANE Select); coding-DNA positions 2729 to 2744, 16 bases deleted (CGGGCCGGGCGGGGGC).
Protein change: p.Pro910fs; shifts the reading frame from proline 910.
Molecular consequence: frameshift variant.
Genome position (GRCh38, 1-based): chr7:150,947,827-150,947,842, GCCCCCGCCCGGCCCG deleted on the plus strand (CGGGCCGGGCGGGGGC on the coding strand, the reverse complement: KCNH2 is on the minus strand); deleting any 16 consecutive bases within chr7:150,947,827-150,947,847 gives the same sequence; the c. name uses the placement nearest the transcript's 3' end. VCF-style (leftmost placement, unchanged base first): chr7-150947826-TGCCCCCGCCCGGCCCG-T. GRCh37 (hg19) VCF-style: chr7-150644914-TGCCCCCGCCCGGCCCG-T.
Other names: c.2436_2451del16, p.Pro814Glnfs (NM_001406753.1); c.1709_1724del, p.Pro570fs (NM_172057.3); c.2729_2744del16 (NM_000238.3); short protein forms P570fs, P910fs.
Identifiers: ClinVar variation 1795256 (VCV001795256.6), dbSNP rs2486008235, ClinGen allele CA2580077748.

ClinVar aggregate classification (germline): Pathogenic/Likely pathogenic. Review status: criteria provided, multiple submitters, no conflicts (2 of 4 stars). 3 submissions from 3 submitters: Pathogenic (2); Likely pathogenic (1). Last evaluated 2023-02-11.

Conditions:
Cardiovascular phenotype. Identifiers: MedGen CN230736.
Long QT syndrome (LQTS). Identifiers: MedGen C0023976, MeSH D008133, MONDO:0002442. Disease mechanism: loss of function. Inheritance: Various modes of inheritance.

Submissions (3):

Labcorp Genetics (formerly Invitae), Labcorp
Classification: Pathogenic for Long QT syndrome. Last evaluated: 2023-02-11. Review status: criteria provided, single submitter. Criteria: Invitae Variant Classification Sherloc (09022015). Collection method: clinical testing. Allele origin: germline.
Comment: ClinVar contains an entry for this variant (Variation ID: 1795256). For these reasons, this variant has been classified as Pathogenic. Algorithms developed to predict the effect of sequence changes on RNA splicing suggest that this variant may disrupt the consensus splice site. This premature translational stop signal has been observed in individual(s) with clinical features of KCNH2-related disorders (PMID: 19716085). This variant is not present in population databases (gnomAD no frequency). This sequence change creates a premature translational stop signal (p.Pro910Glnfs*59) in the KCNH2 gene. It is expected to result in an absent or disrupted protein product. Loss-of-function variants in KCNH2 are known to be pathogenic (PMID: 10973849, 19862833).

Clinical Genetics Laboratory, Skane University Hospital Lund
Classification: Likely pathogenic. Last evaluated: 2022-05-27. Review status: criteria provided, single submitter. Criteria: ACMG Guidelines, 2015. Collection method: clinical testing. Allele origin: germline. Affected: yes.

Ambry Genetics
Classification: Pathogenic for Cardiovascular phenotype. Last evaluated: 2018-01-09. Review status: criteria provided, single submitter. Criteria: Ambry Variant Classification Scheme 2023. Collection method: clinical testing. Allele origin: germline.
Comment: The c.2729_2744del16 pathogenic mutation, located in coding exon 12 of the KCNH2 gene, results from a deletion of 16 nucleotides at nucleotide positions 2729 to 2744, causing a translational frameshift with a predicted alternate stop codon (p.P910Qfs*59). In a study of long QT syndrome clinical genetic testing, this alteration was reported in one patient; however, clinical details were limited (Kapplinger JD et al. Heart Rhythm, 2009 Sep;6:1297-303). In addition to the clinical data presented in the literature, this alteration is expected to result in loss of function by premature protein truncation or nonsense-mediated mRNA decay. As such, this alteration is interpreted as a disease-causing mutation.

Literature cited by the submitters: PubMed 19716085 (cited by Labcorp Genetics (formerly Invitae), Labcorp and Ambry Genetics); PubMed 10973849 (cited by Labcorp Genetics (formerly Invitae), Labcorp); PubMed 19862833 (cited by Labcorp Genetics (formerly Invitae), Labcorp).